The following is an entry in ClinVar:

NM_001046.3(SLC12A2):c.3443G>A (p.Arg1148Gln)

Gene: SLC12A2 (solute carrier family 12 member 2; plus strand). Cytogenetic location: 5q23.3.
Variant type: single nucleotide variant.
Coding change: c.3443G>A on transcript NM_001046.3 (MANE Select); coding-DNA position 3443, G replaced by A.
Protein change: p.Arg1148Gln; replaces arginine 1148 with glutamine.
Molecular consequence: missense variant. On other transcripts: non-coding transcript variant (1).
Genome position (GRCh38, 1-based): chr5:128,184,796, G>A. VCF-style: chr5-128184796-G-A. GRCh37 (hg19) VCF-style: chr5-127520488-G-A.
Other names: c.3395G>A, p.Arg1132Gln (NM_001256461.2); short protein forms R1132Q, R1148Q.
Identifiers: ClinVar variation 4630984 (VCV004630984.2).

ClinVar aggregate classification (germline): Uncertain significance. Review status: criteria provided, multiple submitters, no conflicts (2 of 4 stars). 2 submissions from 2 submitters: Uncertain significance (2). Last evaluated 2025-10-19.

Conditions:
Inborn genetic diseases. Identifiers: MedGen C0950123, MeSH D030342.

gnomAD v4.1: 17 of 1,609,970 alleles (0.0011%); highest among the groups gnomAD compares: Non-Finnish European, 0.0014%; no homozygotes.

Submissions (2):

Labcorp Genetics (formerly Invitae), Labcorp
Classification: Uncertain significance. Last evaluated: 2025-10-19. Review status: criteria provided, single submitter. Criteria: Invitae Variant Classification Sherloc (09022015). Collection method: clinical testing. Allele origin: germline.
Comment: This sequence change replaces arginine, which is basic and polar, with glutamine, which is neutral and polar, at codon 1148 of the SLC12A2 protein (p.Arg1148Gln). This variant is present in population databases (no rsID available, gnomAD 0.0009%). This variant has not been reported in the literature in individuals affected with SLC12A2-related conditions. Invitae Evidence Modeling of protein sequence and biophysical properties (such as structural, functional, and spatial information, amino acid conservation, physicochemical variation, residue mobility, and thermodynamic stability) indicates that this missense variant is not expected to disrupt SLC12A2 protein function with a negative predictive value of 80%. In summary, the available evidence is currently insufficient to determine the role of this variant in disease. Therefore, it has been classified as a Variant of Uncertain Significance.

Ambry Genetics
Classification: Uncertain significance for Inborn genetic diseases. Last evaluated: 2025-10-02. Review status: criteria provided, single submitter. Criteria: Ambry Variant Classification Scheme 2023. Collection method: clinical testing. Allele origin: germline.